The following is an entry in ClinVar:

NM_001031715.3(IQCH):c.2241A>C (p.Pro747=)

Genes: IQCH (IQ motif containing H; plus strand), IQCH-AS1 (IQCH antisense RNA 1; minus strand). Cytogenetic location: 15q23.
Variant type: single nucleotide variant.
Coding change: c.2241A>C on transcript NM_001031715.3 (MANE Select); coding-DNA position 2241, A replaced by C.
Protein change: p.Pro747=; no amino-acid change (proline 747 retained).
Molecular consequence: synonymous variant. On other transcripts: non-coding transcript variant (1).
Genome position (GRCh38, 1-based): chr15:67,421,313, A>C. VCF-style: chr15-67421313-A-C. GRCh37 (hg19) VCF-style: chr15-67713651-A-C.
Other names: c.1212A>C, p.Pro404= (NM_001284347.2, NM_001322471.2); c.1224A>C, p.Pro408= (NM_001284348.2); c.1449A>C, p.Pro483= (NM_001322470.2, NM_001322473.2, NM_001322475.2); c.1020A>C, p.Pro340= (NM_001322472.2); c.1257A>C, p.Pro419= (NM_001322474.2).
Identifiers: ClinVar variation 3388457 (VCV003388457.14).

ClinVar aggregate classification (germline): Likely benign (1 of 4 stars; one submission).

Submission:

CeGaT Center for Human Genetics Tuebingen
Classification: Likely benign. Last evaluated: 2024-10-01. Review status: criteria provided, single submitter. Criteria: CeGaT Center For Human Genetics Tuebingen Variant Classification Criteria Version 2. Collection method: clinical testing. Allele origin: germline. Affected: yes. Observed: 1 variant allele.
Comment: IQCH: BP4, BP7, BS1; IQCH-AS1: BS1